The following is an entry in ClinVar:

NM_002637.4(PHKA1):c.1664G>A (p.Arg555Gln)

Gene: PHKA1 (phosphorylase kinase regulatory subunit alpha 1; minus strand). Cytogenetic location: Xq13.1.
Variant type: single nucleotide variant.
Coding change: c.1664G>A on transcript NM_002637.4 (MANE Select); coding-DNA position 1664, G replaced by A.
Protein change: p.Arg555Gln; replaces arginine 555 with glutamine.
Molecular consequence: missense variant.
Genome position (GRCh38, 1-based): chrX:72,635,205, C>T on the plus strand (G>A on the coding strand, the complement: PHKA1 is on the minus strand). VCF-style: chrX-72635205-C-T. GRCh37 (hg19) VCF-style: chrX-71855055-C-T.
Other names: c.1664G>A (NM_002637.3); c.1664G>A, p.Arg555Gln (NM_001122670.2, NM_001172436.2); short protein forms R555Q.
Identifiers: ClinVar variation 2180092 (VCV002180092.6), dbSNP rs148224624, ClinGen allele CA10450836.

ClinVar aggregate classification (germline): Uncertain significance. Review status: criteria provided, multiple submitters, no conflicts (2 of 4 stars). 3 submissions from 3 submitters: Uncertain significance (3). Last evaluated 2023-08-15.

Conditions:
Inborn genetic diseases. Identifiers: MedGen C0950123, MeSH D030342.
Glycogen storage disease IXd (GSD9D). Also called: GSD IXd; Muscle Phosphorylase Kinase Deficiency. Identifiers: Orphanet 715, MedGen C1845151, MONDO:0010362, OMIM 300559.

Allele frequency attached by ClinVar (database versions not stated): gnomAD exomes below 0.00001; gnomAD 0.00001; ExAC 0.00002; TOPMed 0.00002; ESP Exome Variant Server 0.00009.
gnomAD v4.1: 6 of 1,209,729 alleles (0.0005%); highest among the groups gnomAD compares: South Asian, 0.0018%; no homozygotes.

Submissions (3):

Ambry Genetics
Classification: Uncertain significance for Inborn genetic diseases. Last evaluated: 2023-08-15. Review status: criteria provided, single submitter. Criteria: Ambry Variant Classification Scheme 2023. Collection method: clinical testing. Allele origin: germline.

Labcorp Genetics (formerly Invitae), Labcorp
Classification: Uncertain significance for Glycogen storage disease IXd. Last evaluated: 2022-04-21. Review status: criteria provided, single submitter. Criteria: Invitae Variant Classification Sherloc (09022015). Collection method: clinical testing. Allele origin: germline.
Comment: This variant is present in population databases (rs148224624, gnomAD 0.002%). This sequence change replaces arginine, which is basic and polar, with glutamine, which is neutral and polar, at codon 555 of the PHKA1 protein (p.Arg555Gln). This variant has not been reported in the literature in individuals affected with PHKA1-related conditions. In summary, the available evidence is currently insufficient to determine the role of this variant in disease. Therefore, it has been classified as a Variant of Uncertain Significance. Algorithms developed to predict the effect of missense changes on protein structure and function are either unavailable or do not agree on the potential impact of this missense change (SIFT: "Tolerated"; PolyPhen-2: "Possibly Damaging"; Align-GVGD: "Class C0").

Baylor Genetics
Classification: Uncertain significance for Glycogen storage disease IXd. Last evaluated: 2021-01-20. Review status: criteria provided, single submitter. Criteria: ACMG Guidelines, 2015. Collection method: clinical testing. Allele origin: unknown.